The following is an entry in ClinVar:

ClinVar aggregate classification (germline): Likely pathogenic (1 of 4 stars; one submission).

Submission:

Dasa
Classification: Likely pathogenic. Last evaluated: 2025-08-20. Review status: criteria provided, single submitter. Criteria: DASA Assertion Criteria. Collection method: clinical testing. Allele origin: germline.
Comment: NM_152263.4(TPM3):c.357del (p.Ala120Leufs*9) is a frameshift variant in TPM3 predicted to alter the reading frame and introduce a premature termination codon and is predicted to result in an absent or altered protein product. Loss of function is an established disease mechanism for TPM3-associated disorders. Also, this variant is absent from population databases. Based on the currently available evidence, this variant is classified as likely pathogenic.

NM_152263.4(TPM3):c.357del (p.Ala120fs)

Gene: TPM3 (tropomyosin 3; minus strand). Cytogenetic location: 1q21.3.
Variant type: Deletion.
Coding change: c.357del on transcript NM_152263.4 (MANE Select); coding-DNA position 357, one base deleted (A; older notation c.357delA).
Protein change: p.Ala120fs; shifts the reading frame from alanine 120.
Molecular consequence: frameshift variant. On other transcripts: 5 prime UTR variant (1), non-coding transcript variant (1), intron variant (1).
Genome position (GRCh38, 1-based): chr1:154,176,135, T deleted on the plus strand (A on the coding strand, the reverse complement: TPM3 is on the minus strand); the first of 5 consecutive T bases (chr1:154,176,135-154,176,139); deleting any one gives the same sequence. VCF-style (leftmost placement, unchanged base first): chr1-154176134-CT-C. GRCh37 (hg19) VCF-style: chr1-154148610-CT-C.
Other names: c.246del, p.Ala83fs (NM_001043351.2, NM_001043352.2, NM_001043353.2 and 5 more transcripts); c.-25del (NM_001278191.2); c.357del, p.Ala120fs (NM_001364679.2, NM_001364680.2, NM_001364681.2 and 1 more transcripts); c.69-2934del (NM_001278188.2); short protein forms A120fs, A83fs.
Identifiers: ClinVar variation 4884285 (VCV004884285.2).
Genomic context (GRCh38, chr1:154,176,134, plus strand): 5'-GAACTTTTAAAATCCACACTCCATCAGGCTTCCCTACACACCTCTCACTCTCATCAGCAG[CT>C]TTTTCAGCTTCTTCCAGCTTTTGCAGGGCAGTGGCCAGGCGCTCCTGAGCACGGTCCAGC-3'